The following is an entry in ClinVar:

NM_006514.4(SCN10A):c.600-43G>C

Gene: SCN10A (sodium voltage-gated channel alpha subunit 10; minus strand). Cytogenetic location: 3p22.2.
Variant type: single nucleotide variant.
Coding change: c.600-43G>C on transcript NM_006514.4 (MANE Select); 43 bases into the intron before coding-DNA position 600, G replaced by C.
Molecular consequence: intron variant.
Genome position (GRCh38, 1-based): chr3:38,763,639, C>G on the plus strand (G>C on the coding strand, the complement: SCN10A is on the minus strand). VCF-style: chr3-38763639-C-G. GRCh37 (hg19) VCF-style: chr3-38805130-C-G.
Other names: c.600-43G>C (NM_001293307.2, NM_001293306.2).
Identifiers: ClinVar variation 674520 (VCV000674520.2), dbSNP rs73826327, ClinGen allele CA2321140.

ClinVar aggregate classification (germline): Benign. Review status: criteria provided, multiple submitters, no conflicts (2 of 4 stars). 2 submissions from 2 submitters: Benign (2). Last evaluated 2018-06-14.

Allele frequency attached by ClinVar (database versions not stated): ExAC 0.06967; gnomAD 0.09441; TOPMed 0.09682; ESP Exome Variant Server 0.09926; 1000 Genomes Project 30x 0.11758; 1000 Genomes Project 0.11901.
gnomAD v4.1: 81,613 of 1,420,820 alleles (5.7%); highest among the groups gnomAD compares: African/African-American, 20%; 3,432 homozygotes.

Submissions (2):

GeneDx
Classification: Benign. Last evaluated: 2018-06-14. Review status: criteria provided, single submitter. Criteria: GeneDx Variant Classification (06012015). Collection method: clinical testing. Allele origin: germline. Affected: yes.
Comment: This variant is considered likely benign or benign based on one or more of the following criteria: it is a conservative change, it occurs at a poorly conserved position in the protein, it is predicted to be benign by multiple in silico algorithms, and/or has population frequency not consistent with disease.

Breakthrough Genomics
Classification: Benign. Review status: criteria provided, single submitter. Criteria: ACMG Guidelines, 2015. Collection method: not provided. Allele origin: germline. Inheritance: Autosomal dominant inheritance. Affected: yes.